The following is an entry in ClinVar:

ClinVar aggregate classification (germline): Uncertain significance. Review status: criteria provided, multiple submitters, no conflicts (2 of 4 stars). 2 submissions from 2 submitters: Uncertain significance (2). Last evaluated 2025-09-23.

Conditions:
Atrioventricular septal defect 4 (AVSD4). Identifiers: MedGen C3280781, MONDO:0013747, OMIM 614430.

gnomAD v4.1: 1 of 1,614,172 alleles (0.000062%); highest among the groups gnomAD compares: African/African-American, 0.0013%; no homozygotes.

Submissions (2):

Labcorp Genetics (formerly Invitae), Labcorp
Classification: Uncertain significance for Atrioventricular septal defect 4. Last evaluated: 2025-09-23. Review status: criteria provided, single submitter. Criteria: Invitae Variant Classification Sherloc (09022015). Collection method: clinical testing. Allele origin: germline.
Comment: This sequence change replaces aspartic acid, which is acidic and polar, with tyrosine, which is neutral and polar, at codon 438 of the GATA4 protein (p.Asp438Tyr). This variant is not present in population databases (gnomAD no frequency). This variant has not been reported in the literature in individuals affected with GATA4-related conditions. ClinVar contains an entry for this variant (Variation ID: 3603067). Invitae Evidence Modeling of protein sequence and biophysical properties (such as structural, functional, and spatial information, amino acid conservation, physicochemical variation, residue mobility, and thermodynamic stability) has been performed for this missense variant. However, the output from this modeling did not meet the statistical confidence thresholds required to predict the impact of this variant on GATA4 protein function. Algorithms developed to predict the effect of sequence changes on RNA splicing suggest that this variant may create or strengthen a splice site. In summary, the available evidence is currently insufficient to determine the role of this variant in disease. Therefore, it has been classified as a Variant of Uncertain Significance.

GeneDx
Classification: Uncertain significance. Last evaluated: 2024-08-07. Review status: criteria provided, single submitter. Criteria: GeneDx Variant Classification Process June 2021. Collection method: clinical testing. Allele origin: germline. Affected: yes.
Comment: Has not been previously published as pathogenic or benign to our knowledge; Not observed at significant frequency in large population cohorts (gnomAD); In silico analysis suggests this variant may impact gene splicing. In the absence of RNA/functional studies, the actual effect of this sequence change is unknown.; In silico analysis indicates that this missense variant does not alter protein structure/function

NM_001308093.3(GATA4):c.1315G>T (p.Asp439Tyr)

Gene: GATA4 (GATA binding protein 4). Cytogenetic location: 8p23.1.
Variant type: single nucleotide variant.
Coding change: c.1315G>T on transcript NM_001308093.3 (MANE Select); coding-DNA position 1315, G replaced by T.
Protein change: p.Asp439Tyr; replaces aspartic acid 439 with tyrosine.
Molecular consequence: missense variant.
Genome position (GRCh38, 1-based): chr8:11,758,458, G>T. VCF-style: chr8-11758458-G-T. GRCh37 (hg19) VCF-style: chr8-11615967-G-T.
Other names: c.694G>T, p.Asp232Tyr (NM_001308094.2, NM_001374273.1); c.568G>T, p.Asp190Tyr (NM_001374274.1); c.1312G>T, p.Asp438Tyr (NM_002052.5); short protein forms D190Y, D232Y, D438Y, D439Y.
Identifiers: ClinVar variation 3603067 (VCV003603067.2).